The following is an entry in ClinVar:

ClinVar aggregate classification (germline): Pathogenic (1 of 4 stars; one submission).

Allele frequency attached by ClinVar (database versions not stated): gnomAD 0.00001; gnomAD exomes 0.00001; ExAC 0.00004.

Submission:

Labcorp Genetics (formerly Invitae), Labcorp
Classification: Pathogenic. Last evaluated: 2023-08-29. Review status: criteria provided, single submitter. Criteria: Invitae Variant Classification Sherloc (09022015). Collection method: clinical testing. Allele origin: germline.
Comment: For these reasons, this variant has been classified as Pathogenic. ClinVar contains an entry for this variant (Variation ID: 1408571). This variant has not been reported in the literature in individuals affected with LOXHD1-related conditions. This variant is present in population databases (rs774587517, gnomAD 0.004%). This sequence change creates a premature translational stop signal (p.Tyr518*) in the LOXHD1 gene. It is expected to result in an absent or disrupted protein product. Loss-of-function variants in LOXHD1 are known to be pathogenic (PMID: 19732867, 21465660, 25792669).

Literature cited by the submitters: PubMed 19732867; PubMed 21465660; PubMed 25792669.

NM_001384474.1(LOXHD1):c.1554C>A (p.Tyr518Ter)

Gene: LOXHD1 (lipoxygenase homology PLAT domains 1; minus strand). Cytogenetic location: 18q21.1.
Variant type: single nucleotide variant.
Coding change: c.1554C>A on transcript NM_001384474.1 (MANE Select); coding-DNA position 1554, C replaced by A.
Protein change: p.Tyr518Ter; replaces tyrosine 518 with a stop codon.
Molecular consequence: nonsense.
Genome position (GRCh38, 1-based): chr18:46,592,033, G>T on the plus strand (C>A on the coding strand, the complement: LOXHD1 is on the minus strand). VCF-style: chr18-46592033-G-T. GRCh37 (hg19) VCF-style: chr18-44171996-G-T.
Other names: c.1554C>A, p.Tyr518Ter (NM_144612.7); short protein forms Y518*.
Identifiers: ClinVar variation 1408571 (VCV001408571.6), dbSNP rs774587517, ClinGen allele CA8952782.